The following is an entry in ClinVar:

NM_001035.3(RYR2):c.5047C>G (p.Pro1683Ala)

Gene: RYR2 (ryanodine receptor 2; plus strand). Cytogenetic location: 1q43.
Variant type: single nucleotide variant.
Coding change: c.5047C>G on transcript NM_001035.3 (MANE Select); coding-DNA position 5047, C replaced by G.
Protein change: p.Pro1683Ala; replaces proline 1683 with alanine.
Molecular consequence: missense variant.
Genome position (GRCh38, 1-based): chr1:237,614,175, C>G. VCF-style: chr1-237614175-C-G. GRCh37 (hg19) VCF-style: chr1-237777475-C-G.
Other names: short protein forms P1683A.
Identifiers: ClinVar variation 1744983 (VCV001744983.9), dbSNP rs766933683, ClinGen allele CA026538.

ClinVar aggregate classification (germline): Uncertain significance. Review status: criteria provided, multiple submitters, no conflicts (2 of 4 stars). 5 submissions from 5 submitters: Uncertain significance (5). Last evaluated 2026-09-21.

Conditions:
Cardiomyopathy (CMYO). Also called: Cardiomyopathies. Identifiers: Orphanet 167848, MedGen C0878544, MONDO:0004994, HP:0001638. Inheritance: Various modes of inheritance.
Catecholaminergic polymorphic ventricular tachycardia 1. Also called: VENTRICULAR TACHYCARDIA, CATECHOLAMINERGIC POLYMORPHIC, 1, WITH OR WITHOUT ATRIAL DYSFUNCTION AND/OR DILATED CARDIOMYOPATHY; VENTRICULAR TACHYCARDIA, STRESS-INDUCED POLYMORPHIC 1; RYR2-Related Catecholaminergic Polymorphic Ventricular Tachycardia. Identifiers: Orphanet 3286, MedGen C1631597, MONDO:0011484, OMIM 604772.
Cardiovascular phenotype. Identifiers: MedGen CN230736.

Allele frequency attached by ClinVar (database versions not stated): ExAC 0.00001; gnomAD 0.00001.
gnomAD v4.1: 3 of 1,613,900 alleles (0.00019%); highest among the groups gnomAD compares: Non-Finnish European, 0.00025%; no homozygotes.

Submissions (5):

Molecular Diagnostic Laboratory for Inherited Cardiovascular Disease, Montreal Heart Institute
Classification: Uncertain significance for Cardiovascular phenotype. Last evaluated: 2026-09-21. Review status: criteria provided, single submitter. Criteria: ACMG Guidelines, 2015. Collection method: clinical testing. Allele origin: germline. Affected: yes.
Comment: PM2, PP2, BP4

Women's Health and Genetics/Laboratory Corporation of America, LabCorp
Classification: Uncertain significance. Last evaluated: 2025-12-31. Review status: criteria provided, single submitter. Criteria: LabCorp Variant Classification Summary - May 2015. Collection method: clinical testing. Allele origin: germline.
Comment: Variant summary: RYR2 c.5047C>G (p.Pro1683Ala) results in a non-conservative amino acid change in the encoded protein sequence. Algorithms developed to predict the effect of missense changes on protein structure and function are either unavailable or do not agree on the potential impact of this missense change. The variant allele was found at a frequency of 4e-06 in 249206 control chromosomes. The available data on variant occurrences in the general population are insufficient to allow any conclusion about variant significance. To our knowledge, no occurrence of c.5047C>G in individuals affected with RYR2-related conditions and no experimental evidence demonstrating its impact on protein function have been reported. ClinVar contains an entry for this variant (Variation ID: 1744983). Based on the evidence outlined above, the variant was classified as uncertain significance.

Labcorp Genetics (formerly Invitae), Labcorp
Classification: Uncertain significance for Catecholaminergic polymorphic ventricular tachycardia 1. Last evaluated: 2025-12-03. Review status: criteria provided, single submitter. Criteria: Invitae Variant Classification Sherloc (09022015). Collection method: clinical testing. Allele origin: germline.
Comment: This sequence change replaces proline, which is neutral and non-polar, with alanine, which is neutral and non-polar, at codon 1683 of the RYR2 protein (p.Pro1683Ala). This variant is present in population databases (rs766933683, gnomAD 0.002%). This variant has not been reported in the literature in individuals affected with RYR2-related conditions. ClinVar contains an entry for this variant (Variation ID: 1744983). Invitae Evidence Modeling of protein sequence and biophysical properties (such as structural, functional, and spatial information, amino acid conservation, physicochemical variation, residue mobility, and thermodynamic stability) indicates that this missense variant is not expected to disrupt RYR2 protein function with a negative predictive value of 95%. In summary, the available evidence is currently insufficient to determine the role of this variant in disease. Therefore, it has been classified as a Variant of Uncertain Significance.

Color Diagnostics, LLC DBA Color Health
Classification: Uncertain significance for Cardiomyopathy. Last evaluated: 2025-05-12. Review status: criteria provided, single submitter. Criteria: ACMG Guidelines, 2015. Collection method: clinical testing. Allele origin: germline.
Comment: This missense variant replaces proline with alanine at codon 1683 of the RYR2 protein. Computational prediction suggests that this variant may not impact protein structure and function. To our knowledge, functional studies have not been reported for this variant. This variant has not been reported in individuals affected with RYR2-related disorders in the literature. This variant has been identified in 2/280598 chromosomes in the general population by the Genome Aggregation Database (gnomAD). The available evidence is insufficient to determine the role of this variant in disease conclusively. Therefore, this variant is classified as a Variant of Uncertain Significance.

Ambry Genetics
Classification: Uncertain significance for Cardiovascular phenotype. Last evaluated: 2022-01-05. Review status: criteria provided, single submitter. Criteria: Ambry Variant Classification Scheme 2023. Collection method: clinical testing. Allele origin: germline.
Comment: The p.P1683A variant (also known as c.5047C>G), located in coding exon 37 of the RYR2 gene, results from a C to G substitution at nucleotide position 5047. The proline at codon 1683 is replaced by alanine, an amino acid with highly similar properties. This amino acid position is not well conserved in available vertebrate species. In addition, this alteration is predicted to be tolerated by in silico analysis. Since supporting evidence is limited at this time, the clinical significance of this alteration remains unclear.